The following is an entry in ClinVar:

NM_020843.4(SCAPER):c.2509-4G>A

Gene: SCAPER (S-phase cyclin A associated protein in the ER; minus strand). Cytogenetic location: 15q24.3.
Variant type: single nucleotide variant.
Coding change: c.2509-4G>A on transcript NM_020843.4 (MANE Select); 4 bases into the intron before coding-DNA position 2509, G replaced by A.
Molecular consequence: intron variant.
Genome position (GRCh38, 1-based): chr15:76,665,793, C>T on the plus strand (G>A on the coding strand, the complement: SCAPER is on the minus strand). VCF-style: chr15-76665793-C-T. GRCh37 (hg19) VCF-style: chr15-76958134-C-T.
Other names: c.2125-4G>A (NM_001353011.2); c.2107-4G>A (NM_001353012.2, NM_001353010.2); c.2527-4G>A (NM_001353009.2); c.1771-4G>A (NM_001145923.2).
Identifiers: ClinVar variation 4977611 (VCV004977611.1).
Genomic context (GRCh38, chr15:76,665,793, plus strand): 5'-TGGAGCTGTACTTTCAACCACAATGTCAATAATGTACTTCTTCAAGGAAAGATGCTCCTG[C>T]AAGATAAATAAATAAAATAATAATAATGAGGATGATCATTTAAATATAATATAGGATTGC-3'

ClinVar aggregate classification (germline): Likely benign (1 of 4 stars; one submission).

Conditions:
SCAPER-related disorder. Also called: SCAPER-related condition.

gnomAD v4.1: 60 of 1,498,374 alleles (0.004%); highest among the groups gnomAD compares: Non-Finnish European, 0.0051%; no homozygotes.

Submission:

PreventionGenetics, part of Exact Sciences
Classification: Likely benign for SCAPER-related condition. Last evaluated: 2024-12-05. Review status: criteria provided, single submitter. Criteria: ACMG Guidelines, 2015. Collection method: clinical testing. Allele origin: germline.
Comment: This variant is classified as likely benign based on ACMG/AMP sequence variant interpretation guidelines (Richards et al. 2015 PMID: 25741868, with internal and published modifications).